The following is an entry in ClinVar:

NM_000138.5(FBN1):c.116C>G (p.Ala39Gly)

Gene: FBN1 (fibrillin 1; minus strand). Cytogenetic location: 15q21.1.
Variant type: single nucleotide variant.
Coding change: c.116C>G on transcript NM_000138.5 (MANE Select); coding-DNA position 116, C replaced by G.
Protein change: p.Ala39Gly; replaces alanine 39 with glycine.
Molecular consequence: missense variant.
Genome position (GRCh38, 1-based): chr15:48,644,654, G>C on the plus strand (C>G on the coding strand, the complement: FBN1 is on the minus strand). VCF-style: chr15-48644654-G-C. GRCh37 (hg19) VCF-style: chr15-48936851-G-C.
Other names: c.116C>G, p.Ala39Gly (NM_001406716.1, NM_001406717.1, NM_001406718.1); short protein forms A39G.
Identifiers: ClinVar variation 3073769 (VCV003073769.1), dbSNP rs2505821956, ClinGen allele CA392453612.

ClinVar aggregate classification (germline): Uncertain significance (1 of 4 stars; one submission).

Conditions:
Marfan syndrome (MFS). Also called: MARFAN SYNDROME, TYPE I; Marfan syndrome type 1; Marfan's syndrome; Marfan syndrome, classic; FBN1-Related Marfan Syndrome. Identifiers: Orphanet 284963, Orphanet 558, MedGen C0024796, MONDO:0007947, OMIM 154700.

Submission:

All of Us Research Program, National Institutes of Health
Classification: Uncertain significance for Marfan syndrome. Last evaluated: 2023-10-06. Review status: criteria provided, single submitter. Criteria: ACMG Guidelines, 2015. Collection method: clinical testing. Allele origin: germline. Inheritance: Autosomal dominant inheritance. Observed: 1 variant allele, 1 heterozygote.
Comment: This missense variant replaces alanine with glycine at codon 39 of the FBN1 protein. Computational prediction suggests that this variant may not impact protein structure and function (internally defined REVEL score threshold <= 0.5, PMID: 27666373). To our knowledge, functional studies have not been reported for this variant. This variant has not been reported in individuals affected with FBN1-related disorders in the literature. This variant has not been identified in the general population by the Genome Aggregation Database (gnomAD). The available evidence is insufficient to determine the role of this variant in disease conclusively. Therefore, this variant is classified as a Variant of Uncertain Significance.

This study involves interpretation of variants in research participants for the purpose of population health screening. Participant phenotype was not available at the time of variant classification. Additional details can be found in publication PMID: 35346344, PMCID: PMC8962531